The following is an entry in ClinVar:

NM_001903.5(CTNNA1):c.2103A>C (p.Glu701Asp)

Gene: CTNNA1 (catenin alpha 1; plus strand). Cytogenetic location: 5q31.2.
Variant type: single nucleotide variant.
Coding change: c.2103A>C on transcript NM_001903.5 (MANE Select); coding-DNA position 2103, A replaced by C.
Protein change: p.Glu701Asp; replaces glutamic acid 701 with aspartic acid.
Molecular consequence: missense variant.
Genome position (GRCh38, 1-based): chr5:138,930,565, A>C. VCF-style: chr5-138930565-A-C. GRCh37 (hg19) VCF-style: chr5-138266254-A-C.
Other names: c.2103A>C, p.Glu701Asp (NM_001290307.3, NM_001323982.2, NM_001323983.1 and 2 more transcripts); c.1794A>C, p.Glu598Asp (NM_001290309.3); c.1734A>C, p.Glu578Asp (NM_001290310.3); c.993A>C, p.Glu331Asp (NM_001290312.1, NM_001323987.1, NM_001323988.1 and 17 more transcripts); c.2010A>C, p.Glu670Asp (NM_001323986.2); c.654A>C, p.Glu218Asp (NM_001324006.1, NM_001324007.1, NM_001324008.1 and 2 more transcripts); c.900A>C, p.Glu300Asp (NM_001324011.1); c.750A>C, p.Glu250Asp (NM_001324012.1, NM_001324013.1); short protein forms E218D, E250D, E300D, E331D, E578D, E598D, E670D, E701D.
Identifiers: ClinVar variation 3357570 (VCV003357570.1).

ClinVar aggregate classification (germline): Uncertain significance (0 of 4 stars; one submission).

Conditions:
CTNNA1-related disorder. Also called: CTNNA1-related condition.

Submission:

PreventionGenetics, part of Exact Sciences
Classification: Uncertain significance for CTNNA1-related condition. Last evaluated: 2024-09-25. Review status: no assertion criteria provided. Collection method: clinical testing. Allele origin: germline.
Comment: The CTNNA1 c.2103A>C variant is predicted to result in the amino acid substitution p.Glu701Asp. To our knowledge, this variant has not been reported in the literature or in a large population database, indicating this variant is rare. At this time, the clinical significance of this variant is uncertain due to the absence of conclusive functional and genetic evidence.